The following is an entry in ClinVar:

ClinVar aggregate classification (germline): Benign. Review status: criteria provided, multiple submitters, no conflicts (2 of 4 stars). 4 submissions from 4 submitters: Benign (3). 1 of the submissions does not count toward it. Last evaluated 2024-10-24.

Conditions:
TBX2-related disorder. Also called: TBX2-related condition.

Allele frequency attached by ClinVar (database versions not stated): gnomAD exomes 0.00082; ExAC 0.00098; 1000 Genomes Project 0.00300; 1000 Genomes Project 30x 0.00312; TOPMed 0.00321; gnomAD 0.00324 and 0.00344; ESP Exome Variant Server 0.00408.
gnomAD v4.1: 934 of 1,593,758 alleles (0.059%); highest among the groups gnomAD compares: African/African-American, 1.2%; 5 homozygotes.

Submissions (4):

Blueprint Genetics
Classification: Benign. Last evaluated: 2024-10-24. Review status: criteria provided, single submitter. Criteria: ACMG Guidelines, 2015. Collection method: clinical testing. Allele origin: germline.

Labcorp Genetics (formerly Invitae), Labcorp
Classification: Benign. Last evaluated: 2019-12-31. Review status: criteria provided, single submitter. Criteria: Invitae Variant Classification Sherloc (09022015). Collection method: clinical testing. Allele origin: germline.

Breakthrough Genomics
Classification: Benign. Review status: criteria provided, single submitter. Criteria: ACMG Guidelines, 2015. Collection method: not provided. Allele origin: germline. Inheritance: Autosomal dominant inheritance. Affected: yes.

PreventionGenetics, part of Exact Sciences
Classification: Benign for TBX2-related condition. Last evaluated: 2019-03-25. Review status: no assertion criteria provided. Collection method: clinical testing. Allele origin: germline. Not counted in ClinVar's aggregate classification.
Comment: This variant is classified as benign based on ACMG/AMP sequence variant interpretation guidelines (Richards et al. 2015 PMID: 25741868, with internal and published modifications).

NM_005994.4(TBX2):c.1712G>C (p.Gly571Ala)

Gene: TBX2 (T-box transcription factor 2; plus strand). Cytogenetic location: 17q23.2.
Variant type: single nucleotide variant.
Coding change: c.1712G>C on transcript NM_005994.4 (MANE Select); coding-DNA position 1712, G replaced by C.
Protein change: p.Gly571Ala; replaces glycine 571 with alanine.
Molecular consequence: missense variant.
Genome position (GRCh38, 1-based): chr17:61,408,079, G>C. VCF-style: chr17-61408079-G-C. GRCh37 (hg19) VCF-style: chr17-59485440-G-C.
Other names: short protein forms G571A.
Identifiers: ClinVar variation 775387 (VCV000775387.8), dbSNP rs149083072, ClinGen allele CA8689416.